The following is an entry in ClinVar:

NM_000023.4(SGCA):c.221_313-36del

Gene: SGCA (sarcoglycan alpha; plus strand). Cytogenetic location: 17q21.33.
Variant type: Deletion.
Coding change: c.221_313-36del on transcript NM_000023.4 (MANE Select); coding-DNA position 221 through 36 bases into the intron before coding-DNA position 313, 267 bases deleted.
Molecular consequence: splice donor variant.
Genome position (GRCh38, 1-based): chr17:50,167,645-50,167,911, 267 bases deleted. GRCh37 (hg19): chr17:48,245,006-48,245,272.
Other names: c.221_313-36del (NM_001135697.3).
Identifiers: ClinVar variation 3650490 (VCV003650490.2).

ClinVar aggregate classification (germline): Likely pathogenic (1 of 4 stars; one submission).

Conditions:
Autosomal recessive limb-girdle muscular dystrophy type 2D (LGMDR3). Also called: ADHALINOPATHY, PRIMARY; MUSCULAR DYSTROPHY, LIMB-GIRDLE, AUTOSOMAL RECESSIVE 3; DUCHENNE-LIKE AUTOSOMAL RECESSIVE MUSCULAR DYSTROPHY, TYPE 2. Identifiers: Orphanet 62, MedGen C2936332, MONDO:0011968, OMIM 608099. Disease mechanism: Affects gamma-sarcoglycan and also disrupts the integrity of the entire sarcoglycan complex..

Submission:

Labcorp Genetics (formerly Invitae), Labcorp
Classification: Likely pathogenic for Autosomal recessive limb-girdle muscular dystrophy type 2D. Last evaluated: 2024-04-20. Review status: criteria provided, single submitter. Criteria: Invitae Variant Classification Sherloc (09022015). Collection method: clinical testing. Allele origin: germline.
Comment: This variant results in the deletion of part of exon 3 (c.221_313-36del) of the SGCA gene. It is expected to disrupt RNA splicing. Variants that disrupt the donor or acceptor splice site typically lead to a loss of protein function (PMID: 16199547), and loss-of-function variants in SGCA are known to be pathogenic (PMID: 9192266). This variant is not present in population databases (gnomAD no frequency). This variant has not been reported in the literature in individuals affected with SGCA-related conditions. In summary, the currently available evidence indicates that the variant is pathogenic, but additional data are needed to prove that conclusively. Therefore, this variant has been classified as Likely Pathogenic.

Literature cited by the submitters: PubMed 16199547; PubMed 9192266.